The following is an entry in ClinVar:

ClinVar aggregate classification (germline): Uncertain significance (1 of 4 stars; one submission).

Allele frequency attached by ClinVar (database versions not stated): gnomAD exomes below 0.00001; TOPMed below 0.00001.
gnomAD v4.1: 2 of 1,551,862 alleles (0.00013%); highest among the groups gnomAD compares: Non-Finnish European, 0.000087%; no homozygotes.

Submission:

Labcorp Genetics (formerly Invitae), Labcorp
Classification: Uncertain significance. Last evaluated: 2021-01-13. Review status: criteria provided, single submitter. Criteria: Invitae Variant Classification Sherloc (09022015). Collection method: clinical testing. Allele origin: germline.
Comment: This variant has not been reported in the literature in individuals with DTHD1-related conditions. Algorithms developed to predict the effect of missense changes on protein structure and function are either unavailable or do not agree on the potential impact of this missense change (SIFT: "Deleterious"; PolyPhen-2: "Possibly Damaging"; Align-GVGD: "Class C0"). In summary, the available evidence is currently insufficient to determine the role of this variant in disease. Therefore, it has been classified as a Variant of Uncertain Significance. This sequence change replaces proline with threonine at codon 382 of the DTHD1 protein (p.Pro382Thr). The proline residue is highly conserved and there is a small physicochemical difference between proline and threonine. This variant is not present in population databases (ExAC no frequency).

NM_001170700.3(DTHD1):c.2014C>A (p.Pro672Thr)

Gene: DTHD1 (death domain containing 1; plus strand). Cytogenetic location: 4p14.
Variant type: single nucleotide variant.
Coding change: c.2014C>A on transcript NM_001170700.3 (MANE Select); coding-DNA position 2014, C replaced by A.
Protein change: p.Pro672Thr; replaces proline 672 with threonine.
Molecular consequence: missense variant. On other transcripts: non-coding transcript variant (2).
Genome position (GRCh38, 1-based): chr4:36,308,412, C>A. VCF-style: chr4-36308412-C-A. GRCh37 (hg19) VCF-style: chr4-36310034-C-A.
Other names: c.1144C>A, p.Pro382Thr (NM_001136536.5); c.1081C>A, p.Pro361Thr (NM_001378435.1); short protein forms P672T, P361T, P382T.
Identifiers: ClinVar variation 1471985 (VCV001471985.8), dbSNP rs1352070477, ClinGen allele CA356681113.
Genomic context (GRCh38, chr4:36,308,412, plus strand): 5'-GTGCCTTCCAAAGATTTAAGCCAGGTGCTTAAGGACCTGCACTTGGAAGGGTTTGGAGGA[C>A]CTCCAGAGCCATCTCGTCATTTCCAAGTTCGAGAAGGAGAACAACTTCTTTTAAGATTTA-3'
Protein context (NP_001164171.2, residues 662-682): KDLHLEGFGG[Pro672Thr]PEPSRHFQVR